The following is an entry in ClinVar:

NM_001374828.1(ARID1B):c.1651C>T (p.Gln551Ter)

Gene: ARID1B (AT-rich interaction domain 1B; plus strand). Cytogenetic location: 6q25.3.
Variant type: single nucleotide variant.
Coding change: c.1651C>T on transcript NM_001374828.1 (MANE Select); coding-DNA position 1651, C replaced by T.
Protein change: p.Gln551Ter; replaces glutamine 551 with a stop codon.
Molecular consequence: nonsense.
Genome position (GRCh38, 1-based): chr6:156,779,331, C>T. VCF-style: chr6-156779331-C-T. GRCh37 (hg19) VCF-style: chr6-157100465-C-T.
Other names: c.1402C>T (NM_020732.3); c.1651C>T, p.Gln551Ter (NM_001371656.1, NM_001374820.1, NM_017519.3); short protein forms Q551*.
Identifiers: ClinVar variation 3340568 (VCV003340568.2).

ClinVar aggregate classification (germline): Pathogenic. Review status: criteria provided, multiple submitters, no conflicts (2 of 4 stars). 2 submissions from 2 submitters: Pathogenic (2). Last evaluated 2025-10-11.

Conditions:
Coffin-Siris syndrome 1 (CSS1). Also called: Mental retardation, autosomal dominant 12; ARID1B-Related Coffin-Siris Syndrome. Identifiers: Orphanet 1465, MedGen C3281201, MONDO:0007617, OMIM 135900. Disease mechanism: gain of function.

Submissions (2):

Medical and Scientific Branch, Hong Kong Genome Institute
Classification: Pathogenic for Coffin-Siris syndrome 1. Last evaluated: 2025-10-11. Review status: criteria provided, single submitter. Criteria: ACMG Guidelines, 2015. Collection method: clinical testing. Allele origin: de novo. Affected: yes.

GeneDx
Classification: Pathogenic. Last evaluated: 2024-03-11. Review status: criteria provided, single submitter. Criteria: GeneDx Variant Classification Process June 2021. Collection method: clinical testing. Allele origin: germline. Affected: yes.
Comment: Nonsense variant predicted to result in protein truncation or nonsense mediated decay in a gene for which loss of function is a known mechanism of disease; Not observed at significant frequency in large population cohorts (gnomAD); This variant is associated with the following publications: (PMID: 28135719, 33057194, 35982159)